The following is an entry in ClinVar:

NM_000051.4(ATM):c.470G>A (p.Cys157Tyr)

Gene: ATM (ATM serine/threonine kinase; plus strand). Cytogenetic location: 11q22.3.
Variant type: single nucleotide variant.
Coding change: c.470G>A on transcript NM_000051.4 (MANE Select); coding-DNA position 470, G replaced by A.
Protein change: p.Cys157Tyr; replaces cysteine 157 with tyrosine.
Molecular consequence: missense variant.
Genome position (GRCh38, 1-based): chr11:108,235,808, G>A. VCF-style: chr11-108235808-G-A. GRCh37 (hg19) VCF-style: chr11-108106535-G-A.
Other names: c.470G>A, p.Cys157Tyr (NM_001351834.2); short protein forms C157Y.
Identifiers: ClinVar variation 1742590 (VCV001742590.5), dbSNP rs1591475486, ClinGen allele CA382525524.

ClinVar aggregate classification (germline): Uncertain significance. Review status: criteria provided, multiple submitters, no conflicts (2 of 4 stars). 2 submissions from 2 submitters: Uncertain significance (2). Last evaluated 2023-12-08.

Conditions:
Hereditary cancer-predisposing syndrome. Also called: Neoplastic Syndromes, Hereditary; Tumor predisposition; Hereditary Cancer Syndrome; Hereditary neoplastic syndrome. Identifiers: Orphanet 140162, MedGen C0027672, MeSH D009386, MONDO:0015356.
Ataxia-telangiectasia syndrome (AT). Also called: LOUIS-BAR SYNDROME; Cerebello-oculocutaneous telangiectasia; Immunodeficiency with ataxia telangiectasia; Ataxia-telangiectasia, complementation group D; AT, COMPLEMENTATION GROUP C; ATAXIA-TELANGIECTASIA, COMPLEMENTATION GROUP A. Identifiers: Orphanet 100, MedGen C0004135, MONDO:0008840, OMIM 208900.

Submissions (2):

Labcorp Genetics (formerly Invitae), Labcorp
Classification: Uncertain significance for Ataxia-telangiectasia syndrome. Last evaluated: 2023-12-08. Review status: criteria provided, single submitter. Criteria: Invitae Variant Classification Sherloc (09022015). Collection method: clinical testing. Allele origin: germline.
Comment: This sequence change replaces cysteine, which is neutral and slightly polar, with tyrosine, which is neutral and polar, at codon 157 of the ATM protein (p.Cys157Tyr). This variant is not present in population databases (gnomAD no frequency). This variant has not been reported in the literature in individuals affected with ATM-related conditions. ClinVar contains an entry for this variant (Variation ID: 1742590). An algorithm developed to predict the effect of missense changes on protein structure and function (PolyPhen-2) suggests that this variant is likely to be disruptive. Algorithms developed to predict the effect of sequence changes on RNA splicing suggest that this variant may create or strengthen a splice site. In summary, the available evidence is currently insufficient to determine the role of this variant in disease. Therefore, it has been classified as a Variant of Uncertain Significance.

Ambry Genetics
Classification: Uncertain significance for Hereditary cancer-predisposing syndrome. Last evaluated: 2021-01-04. Review status: criteria provided, single submitter. Criteria: Ambry Variant Classification Scheme 2023. Collection method: clinical testing. Allele origin: germline.
Comment: The p.C157Y variant (also known as c.470G>A), located in coding exon 4 of the ATM gene, results from a G to A substitution at nucleotide position 470. The cysteine at codon 157 is replaced by tyrosine, an amino acid with highly dissimilar properties. This amino acid position is highly conserved in available vertebrate species. In addition, this alteration is predicted to be deleterious by in silico analysis. Since supporting evidence is limited at this time, the clinical significance of this alteration remains unclear.